The following is an entry in ClinVar:

NM_182760.4(SUMF1):c.57_58insAGCAG (p.Leu20fs)

Gene: SUMF1 (sulfatase modifying factor 1; minus strand). Cytogenetic location: 3p26.1.
Variant type: Insertion.
Coding change: c.57_58insAGCAG on transcript NM_182760.4 (MANE Select); coding-DNA positions 57 to 58, AGCAG inserted.
Protein change: p.Leu20fs; shifts the reading frame from leucine 20.
Molecular consequence: frameshift variant.
Genome position: GRCh38 VCF-style: chr3-4467188-G-GCTGCT. GRCh37 (hg19) VCF-style: chr3-4508872-G-GCTGCT.
Other names: c.57_58insAGCAG, p.Leu20fs (NM_001164674.2, NM_001164675.2); short protein forms L20fs.
Identifiers: ClinVar variation 5010738 (VCV005010738.1).

ClinVar aggregate classification (germline): Pathogenic (1 of 4 stars; one submission).

Conditions:
Multiple sulfatase deficiency (MSD). Also called: Mucosulfatidosis; Multiple Sulfatase Deficiency Disease; Sulfatidosis, Juvenile, Austin Type. Identifiers: Orphanet 585, MedGen C0268263, MONDO:0010088, OMIM 272200.

Submission:

Myriad Genetics, Inc.
Classification: Pathogenic for Multiple sulfatase deficiency. Last evaluated: 2024-05-14. Review status: criteria provided, single submitter. Criteria: Myriad Autosomal Dominant, Autosomal Recessive and X-Linked Classification Criteria (2023). Collection method: clinical testing. Allele origin: unknown.
Comment: NM_182760.3(SUMF1):c.57_58ins5(L20Sfs*91) is expected to be pathogenic in the context of multiple sulfatase deficiency. This variant is predicted to lead to an abnormal or absent protein product due to the creation of a premature termination codon in SUMF1, a gene where loss-of-function variants are known to be pathogenic. Please note: this variant was assessed in the context of healthy population screening.